The following is an entry in ClinVar:

NM_001848.3(COL6A1):c.2250+6G>C

Gene: COL6A1 (collagen type VI alpha 1 chain; plus strand). Cytogenetic location: 21q22.3.
Variant type: single nucleotide variant.
Coding change: c.2250+6G>C on transcript NM_001848.3 (MANE Select); 6 bases into the intron after coding-DNA position 2250, G replaced by C.
Molecular consequence: intron variant.
Genome position (GRCh38, 1-based): chr21:46,002,407, G>C. VCF-style: chr21-46002407-G-C. GRCh37 (hg19) VCF-style: chr21-47422321-G-C.
Identifiers: ClinVar variation 285149 (VCV000285149.60), dbSNP rs202212586, ClinGen allele CA10070799.

ClinVar aggregate classification (germline): Benign/Likely benign. Review status: criteria provided, multiple submitters, no conflicts (2 of 4 stars). 7 submissions from 7 submitters: Benign (4); Likely benign (3). Last evaluated 2026-09-01.

Conditions:
Collagen 6-related myopathy. Identifiers: MedGen CN117976, MONDO:0100225.
Bethlem myopathy 1A. Also called: Bethlem Muscular Dystrophy; MYOPATHY, BENIGN CONGENITAL, WITH CONTRACTURES; Bethlem myopathy 1. Identifiers: Orphanet 610, MedGen CN029274, MONDO:0024530, OMIM 158810.

Allele frequency attached by ClinVar (database versions not stated): 1000 Genomes Project 30x 0.00031; 1000 Genomes Project 0.00040; ESP Exome Variant Server 0.00108; TOPMed 0.00120; gnomAD exomes 0.00174; gnomAD 0.00186 and 0.00195; ExAC 0.00240.
gnomAD v4.1: 2,864 of 1,606,792 alleles (0.18%); highest among the groups gnomAD compares: Non-Finnish European, 0.19%; 13 homozygotes.

Submissions (7):

CeGaT Center for Human Genetics Tuebingen
Classification: Likely benign. Last evaluated: 2026-09-01. Review status: criteria provided, single submitter. Criteria: CeGaT Center For Human Genetics Tuebingen Variant Classification Criteria Version 2. Collection method: clinical testing. Allele origin: germline. Affected: yes. Observed: 13 variant alleles.
Comment: COL6A1: BP4

Women's Health and Genetics/Laboratory Corporation of America, LabCorp
Classification: Benign. Last evaluated: 2026-05-28. Review status: criteria provided, single submitter. Criteria: LabCorp Variant Classification Summary - May 2015. Collection method: clinical testing. Allele origin: germline.
Comment: Variant summary: COL6A1 c.2250+6G>C alters a non-conserved nucleotide located close to a canonical splice site and therefore could affect mRNA splicing, leading to a significantly altered protein sequence. Consensus agreement among computation tools predict no significant impact on normal splicing. However, these predictions have yet to be confirmed by functional studies. The variant allele was found at a frequency of 0.0018 in 1606792 control chromosomes, predominantly at a frequency of 0.0061 within the Finnish subpopulation in the gnomAD database, including 13 homozygotes. The observed variant frequency within Finnish control individuals in the gnomAD database exceeds the estimated maximal expected allele frequency for disease-causing variants in COL6A1, and the observation of homozygous controls in gnomAD is not consistent with the onset/severity of COL6A1-related conditions. To our knowledge, no occurrence of c.2250+6G>C in individuals affected with COL6A1-related conditions and no experimental evidence demonstrating its impact on protein function have been reported. ClinVar contains an entry for this variant (Variation ID: 285149). Based on the evidence outlined above, the variant was classified as benign.

Labcorp Genetics (formerly Invitae), Labcorp
Classification: Benign for Bethlem myopathy 1A. Last evaluated: 2026-01-17. Review status: criteria provided, single submitter. Criteria: Invitae Variant Classification Sherloc (09022015). Collection method: clinical testing. Allele origin: germline.

GeneDx
Classification: Likely benign. Last evaluated: 2021-03-30. Review status: criteria provided, single submitter. Criteria: GeneDx Variant Classification Process June 2021. Collection method: clinical testing. Allele origin: germline. Affected: yes.

Illumina Laboratory Services, Illumina
Classification: Benign for Collagen VI-related myopathy. Last evaluated: 2018-01-13. Review status: criteria provided, single submitter. Criteria: ICSL Variant Classification Criteria 13 December 2019. Collection method: clinical testing. Allele origin: germline.
Comment: This variant was observed in the ICSL laboratory as part of a predisposition screen in an ostensibly healthy population. It had not been previously curated by ICSL or reported in the Human Gene Mutation Database (HGMD: prior to June 1st, 2018), and was therefore a candidate for classification through an automated scoring system. Utilizing variant allele frequency, disease prevalence and penetrance estimates, and inheritance mode, an automated score was calculated to assess if this variant is too frequent to cause the disease. Based on the score and internal cut-off values, a variant classified as benign is not then subjected to further curation. The score for this variant resulted in a classification of benign for this disease.

Eurofins Ntd Llc (ga)
Classification: Benign. Last evaluated: 2015-12-09. Review status: criteria provided, single submitter. Criteria: EGL Classification Definitions 2015. Collection method: clinical testing. Allele origin: germline. Observed: 1 variant allele, 1 heterozygote.

Breakthrough Genomics
Classification: Likely benign. Review status: criteria provided, single submitter. Criteria: ACMG Guidelines, 2015. Collection method: not provided. Allele origin: germline. Inheritance: Autosomal recessive inheritance. Affected: yes.